The following is an entry in ClinVar:

ClinVar aggregate classification (germline): Pathogenic (1 of 4 stars; one submission).

Submission:

Labcorp Genetics (formerly Invitae), Labcorp
Classification: Pathogenic. Last evaluated: 2024-10-25. Review status: criteria provided, single submitter. Criteria: Invitae Variant Classification Sherloc (09022015). Collection method: clinical testing. Allele origin: germline.
Comment: This sequence change creates a premature translational stop signal (p.Ala21Argfs*27) in the ASAH1 gene. It is expected to result in an absent or disrupted protein product. Loss-of-function variants in ASAH1 are known to be pathogenic (PMID: 24164096, 24355074). This variant is not present in population databases (gnomAD no frequency). This variant has not been reported in the literature in individuals affected with ASAH1-related conditions. ClinVar contains an entry for this variant (Variation ID: 1363975). For these reasons, this variant has been classified as Pathogenic.

Literature cited by the submitters: PubMed 24164096; PubMed 24355074.

NM_177924.5(ASAH1):c.61_76del (p.Ala21fs)

Gene: ASAH1 (N-acylsphingosine amidohydrolase 1; minus strand). Cytogenetic location: 8p22.
Variant type: Deletion.
Coding change: c.61_76del on transcript NM_177924.5 (MANE Select); coding-DNA positions 61 to 76, 16 bases deleted (GCGCAGCACGCGCCGC).
Protein change: p.Ala21fs; shifts the reading frame from alanine 21.
Molecular consequence: frameshift variant. On other transcripts: intron variant (2).
Genome position (GRCh38, 1-based): chr8:18,083,983-18,083,998, GCGGCGCGTGCTGCGC deleted on the plus strand (GCGCAGCACGCGCCGC on the coding strand, the reverse complement: ASAH1 is on the minus strand); deleting any 16 consecutive bases within chr8:18,083,983-18,083,999 gives the same sequence; the c. name uses the placement nearest the transcript's 3' end. VCF-style (leftmost placement, unchanged base first): chr8-18083982-GGCGGCGCGTGCTGCGC-G. GRCh37 (hg19) VCF-style: chr8-17941491-GGCGGCGCGTGCTGCGC-G.
Other names: c.126+678_126+693del (NM_004315.6, NM_001127505.3); short protein forms A21fs.
Identifiers: ClinVar variation 1363975 (VCV001363975.6), dbSNP rs2117107396, ClinGen allele CA2573142604.
Genomic context (GRCh38, chr8:18,083,982, plus strand): 5'-CCTCCATCCGCGCCCGCACCTGCACGCCCCTCTCTGCGCCTCGGCTCAAGCTCACTCACC[GGCGGCGCGTGCTGCGC>G]GACGGCACAGCTGACGGCGGCAGCCAGGAGGACTAAGGCGACGCAACTCCGGCCCGGCAT-3'